The following is an entry in ClinVar:

NM_001130438.3(SPTAN1):c.6279+3G>A

Gene: SPTAN1 (spectrin alpha, non-erythrocytic 1; plus strand). Cytogenetic location: 9q34.11.
Variant type: single nucleotide variant.
Coding change: c.6279+3G>A on transcript NM_001130438.3 (MANE Select); 3 bases into the intron after coding-DNA position 6279, G replaced by A.
Molecular consequence: intron variant.
Genome position (GRCh38, 1-based): chr9:128,625,981, G>A. VCF-style: chr9-128625981-G-A. GRCh37 (hg19) VCF-style: chr9-131388260-G-A.
Other names: c.6315+3G>A (NM_001375318.1, NM_001375312.2); c.6279+3G>A (NM_001375311.2, NM_001375310.1, NM_001363759.2 and 1 more transcripts); c.6219+3G>A (NM_001375314.2, NM_001363765.2); c.6264+3G>A (NM_003127.4); c.6204+3G>A (NM_001195532.2).
Identifiers: ClinVar variation 2965993 (VCV002965993.10), dbSNP rs199973563, ClinGen allele CA200407403.

ClinVar aggregate classification (germline): Uncertain significance. Review status: criteria provided, multiple submitters, no conflicts (2 of 4 stars). 2 submissions from 2 submitters: Uncertain significance (2). Last evaluated 2025-09-01.

Conditions:
Early-infantile DEE. Also called: Early infantile epileptic encephalopathy; Ohtahara syndrome; Early infantile epileptic encephalopathy with suppression bursts. Identifiers: Orphanet 1934, MedGen C0393706, MONDO:0800491.

Allele frequency attached by ClinVar (database versions not stated): gnomAD exomes below 0.00001.
gnomAD v4.1: 8 of 1,613,810 alleles (0.0005%); highest among the groups gnomAD compares: Non-Finnish European, 0.00034%; no homozygotes.

Submissions (2):

CeGaT Center for Human Genetics Tuebingen
Classification: Uncertain significance. Last evaluated: 2025-09-01. Review status: criteria provided, single submitter. Criteria: CeGaT Center For Human Genetics Tuebingen Variant Classification Criteria Version 2. Collection method: clinical testing. Allele origin: germline. Affected: yes. Observed: 1 variant allele.
Comment: SPTAN1: PM2, BP4

Labcorp Genetics (formerly Invitae), Labcorp
Classification: Uncertain significance for Early-infantile DEE. Last evaluated: 2023-09-22. Review status: criteria provided, single submitter. Criteria: Invitae Variant Classification Sherloc (09022015). Collection method: clinical testing. Allele origin: germline.
Comment: In summary, the available evidence is currently insufficient to determine the role of this variant in disease. Therefore, it has been classified as a Variant of Uncertain Significance. This sequence change falls in intron 48 of the SPTAN1 gene. It does not directly change the encoded amino acid sequence of the SPTAN1 protein. It affects a nucleotide within the consensus splice site. This variant is present in population databases (rs199973563, gnomAD 0.004%). This variant has not been reported in the literature in individuals affected with SPTAN1-related conditions. Variants that disrupt the consensus splice site are a relatively common cause of aberrant splicing (PMID: 17576681, 9536098). Algorithms developed to predict the effect of sequence changes on RNA splicing suggest that this variant is not likely to affect RNA splicing.

Literature cited by the submitters: PubMed 17576681 (cited by Labcorp Genetics (formerly Invitae), Labcorp); PubMed 9536098 (cited by Labcorp Genetics (formerly Invitae), Labcorp).